The following is an entry in ClinVar:

ClinVar aggregate classification (germline): Likely benign (1 of 4 stars; one submission).

Allele frequency attached by ClinVar (database versions not stated): ExAC 0.00038; 1000 Genomes Project 0.00220; 1000 Genomes Project 30x 0.00250.
gnomAD v4.1: 613 of 701,828 alleles (0.087%); highest among the groups gnomAD compares: Middle Eastern, 0.57%; 4 homozygotes.

Submission:

CeGaT Center for Human Genetics Tuebingen
Classification: Likely benign. Last evaluated: 2022-04-01. Review status: criteria provided, single submitter. Criteria: CeGaT Center For Human Genetics Tuebingen Variant Classification Criteria Version 2. Collection method: clinical testing. Allele origin: germline. Affected: yes. Observed: 1 variant allele.
Comment: MYO15B: BP4, BP7

NM_001395058.1(MYO15B):c.5985G>A (p.Pro1995=)

Gene: MYO15B (myosin XVB; plus strand). Cytogenetic location: 17q25.1.
Variant type: single nucleotide variant.
Coding change: c.5985G>A on transcript NM_001395058.1 (MANE Select); coding-DNA position 5985, G replaced by A.
Protein change: p.Pro1995=; no amino-acid change (proline 1995 retained).
Molecular consequence: synonymous variant.
Genome position (GRCh38, 1-based): chr17:75,615,839, G>A. VCF-style: chr17-75615839-G-A. GRCh37 (hg19) VCF-style: chr17-73611920-G-A.
Other names: c.5871G>A, p.Pro1957= (NM_001309242.2).
Identifiers: ClinVar variation 2648272 (VCV002648272.24), dbSNP rs79969638, ClinGen allele CA8766327.